The following is an entry in ClinVar:

NM_001848.3(COL6A1):c.2783G>T (p.Arg928Leu)

Gene: COL6A1 (collagen type VI alpha 1 chain; plus strand). Cytogenetic location: 21q22.3.
Variant type: single nucleotide variant.
Coding change: c.2783G>T on transcript NM_001848.3 (MANE Select); coding-DNA position 2783, G replaced by T.
Protein change: p.Arg928Leu; replaces arginine 928 with leucine.
Molecular consequence: missense variant.
Genome position (GRCh38, 1-based): chr21:46,003,709, G>T. VCF-style: chr21-46003709-G-T. GRCh37 (hg19) VCF-style: chr21-47423623-G-T.
Other names: p.Arg928Leu; short protein forms R928L.
Identifiers: ClinVar variation 596774 (VCV000596774.14), dbSNP rs144671871, ClinGen allele CA10071030.

ClinVar aggregate classification (germline): Conflicting classifications of pathogenicity. Review status: criteria provided, conflicting classifications (1 of 4 stars). 3 submissions from 3 submitters: Uncertain significance (2); Likely benign (1). Last evaluated 2025-09-24.

Conditions:
Bethlem myopathy 1A. Also called: Bethlem Muscular Dystrophy; Bethlem myopathy 1; MYOPATHY, BENIGN CONGENITAL, WITH CONTRACTURES. Identifiers: Orphanet 610, MedGen CN029274, MONDO:0024530, OMIM 158810.

Allele frequency attached by ClinVar (database versions not stated): TOPMed 0.00001.
gnomAD v4.1: 14 of 1,612,866 alleles (0.00087%); highest among the groups gnomAD compares: Non-Finnish European, 0.0012%; no homozygotes.

Submissions (3):

Labcorp Genetics (formerly Invitae), Labcorp
Classification: Likely benign for Bethlem myopathy 1A. Last evaluated: 2025-09-24. Review status: criteria provided, single submitter. Criteria: Invitae Variant Classification Sherloc (09022015). Collection method: clinical testing. Allele origin: germline.

Mayo Clinic Laboratories, Mayo Clinic
Classification: Uncertain significance. Last evaluated: 2024-04-19. Review status: criteria provided, single submitter. Criteria: ACMG Guidelines, 2015. Collection method: clinical testing. Allele origin: germline. Observed: 1 variant allele.
Comment: PM2_moderate

Eurofins Ntd Llc (ga)
Classification: Uncertain significance. Last evaluated: 2018-04-04. Review status: criteria provided, single submitter. Criteria: EGL ClinVar v180209 classification definitions. Collection method: clinical testing. Allele origin: germline. Observed: 1 variant allele, 1 heterozygote.